The following is an entry in ClinVar:

ClinVar aggregate classification (germline): Uncertain significance (1 of 4 stars; one submission).

Conditions:
Hereditary cancer-predisposing syndrome. Also called: Neoplastic Syndromes, Hereditary; Hereditary Cancer Syndrome; Hereditary neoplastic syndrome; Tumor predisposition. Identifiers: Orphanet 140162, MedGen C0027672, MeSH D009386, MONDO:0015356.

Allele frequency attached by ClinVar (database versions not stated): gnomAD exomes below 0.00001.
gnomAD v4.1: 2 of 1,554,198 alleles (0.00013%); highest among the groups gnomAD compares: Non-Finnish European, 0.00017%; no homozygotes.

Submission:

Ambry Genetics
Classification: Uncertain significance for Hereditary cancer-predisposing syndrome. Last evaluated: 2023-06-09. Review status: criteria provided, single submitter. Criteria: Ambry Variant Classification Scheme 2023. Collection method: clinical testing. Allele origin: germline.
Comment: The p.A112G variant (also known as c.335C>G), located in coding exon 1 of the ALK gene, results from a C to G substitution at nucleotide position 335. The alanine at codon 112 is replaced by glycine, an amino acid with similar properties. This amino acid position is conserved. In addition, this alteration is predicted to be tolerated by in silico analysis. Since supporting evidence is limited at this time, the clinical significance of this alteration remains unclear.

NM_004304.5(ALK):c.335C>G (p.Ala112Gly)

Gene: ALK (ALK receptor tyrosine kinase; minus strand). Cytogenetic location: 2p23.1.
Variant type: single nucleotide variant.
Coding change: c.335C>G on transcript NM_004304.5 (MANE Select); coding-DNA position 335, C replaced by G.
Protein change: p.Ala112Gly; replaces alanine 112 with glycine.
Molecular consequence: missense variant.
Genome position (GRCh38, 1-based): chr2:29,920,325, G>C on the plus strand (C>G on the coding strand, the complement: ALK is on the minus strand). VCF-style: chr2-29920325-G-C. GRCh37 (hg19) VCF-style: chr2-30143191-G-C.
Other names: short protein forms A112G.
Identifiers: ClinVar variation 2561062 (VCV002561062.2), dbSNP rs2465866596, ClinGen allele CA346590237.